The following is an entry in ClinVar:

NM_002528.7(NTHL1):c.454A>T (p.Thr152Ser)

Gene: NTHL1 (nth like DNA glycosylase 1; minus strand). Cytogenetic location: 16p13.3.
Variant type: single nucleotide variant.
Coding change: c.454A>T on transcript NM_002528.7 (MANE Select); coding-DNA position 454, A replaced by T.
Protein change: p.Thr152Ser; replaces threonine 152 with serine.
Molecular consequence: missense variant. On other transcripts: intron variant (1).
Genome position (GRCh38, 1-based): chr16:2,044,701, T>A on the plus strand (A>T on the coding strand, the complement: NTHL1 is on the minus strand). VCF-style: chr16-2044701-T-A. GRCh37 (hg19) VCF-style: chr16-2094702-T-A.
Other names: c.124A>T, p.Thr42Ser (NM_001318194.2); c.355-975A>T (NM_001318193.2); short protein forms T152S, T42S.
Identifiers: ClinVar variation 1743087 (VCV001743087.2), dbSNP rs1472473035, ClinGen allele CA394294287.

ClinVar aggregate classification (germline): Uncertain significance (1 of 4 stars; one submission).

Conditions:
Hereditary cancer-predisposing syndrome. Also called: Hereditary Cancer Syndrome; Neoplastic Syndromes, Hereditary; Tumor predisposition; Hereditary neoplastic syndrome. Identifiers: Orphanet 140162, MedGen C0027672, MeSH D009386, MONDO:0015356.

Submission:

Ambry Genetics
Classification: Uncertain significance for Hereditary cancer-predisposing syndrome. Last evaluated: 2020-11-20. Review status: criteria provided, single submitter. Criteria: Ambry Variant Classification Scheme 2023. Collection method: clinical testing. Allele origin: germline.
Comment: The p.T160S variant (also known as c.478A>T), located in coding exon 3 of the NTHL1 gene, results from an A to T substitution at nucleotide position 478. The threonine at codon 160 is replaced by serine, an amino acid with similar properties. This amino acid position is well conserved in available vertebrate species; however, serine is the reference amino acid in other vertebrate species. In addition, the in silico prediction for this alteration is inconclusive. Since supporting evidence is limited at this time, the clinical significance of this alteration remains unclear.